The following is an entry in ClinVar:

NM_182972.3(IRF2BP2):c.1628C>G (p.Ala543Gly)

Gene: IRF2BP2 (interferon regulatory factor 2 binding protein 2; minus strand). Cytogenetic location: 1q42.3.
Variant type: single nucleotide variant.
Coding change: c.1628C>G on transcript NM_182972.3 (MANE Select); coding-DNA position 1628, C replaced by G.
Protein change: p.Ala543Gly; replaces alanine 543 with glycine.
Molecular consequence: missense variant.
Genome position (GRCh38, 1-based): chr1:234,607,273, G>C on the plus strand (C>G on the coding strand, the complement: IRF2BP2 is on the minus strand). VCF-style: chr1-234607273-G-C. GRCh37 (hg19) VCF-style: chr1-234743019-G-C.
Other names: c.1580C>G, p.Ala527Gly (NM_001077397.1); short protein forms A527G, A543G.
Identifiers: ClinVar variation 1976358 (VCV001976358.5), dbSNP rs962331038, ClinGen allele CA39544789.
Genomic context (GRCh38, chr1:234,607,273, plus strand): 5'-GGGACATTGGAGCCCACAAGAGGGCATTTTTCCCCACTGGGACAATAGACCTCTCCACTA[G>C]CTCCCTGCTGTTTGATGCTTTGTCTGGAGCAAGGGAAGCAGAACTTGTGCGAAGGGACGG-3'
Protein context (NP_892017.2, residues 533-553): CSRQSIKQQG[Ala543Gly]SGEVYCPSGE

ClinVar aggregate classification (germline): Uncertain significance (1 of 4 stars; one submission).

Allele frequency attached by ClinVar (database versions not stated): gnomAD 0.00001.
gnomAD v4.1: 4 of 1,614,104 alleles (0.00025%); highest among the groups gnomAD compares: African/African-American, 0.0053%; no homozygotes.

Submission:

Labcorp Genetics (formerly Invitae), Labcorp
Classification: Uncertain significance. Last evaluated: 2022-03-24. Review status: criteria provided, single submitter. Criteria: Invitae Variant Classification Sherloc (09022015). Collection method: clinical testing. Allele origin: germline.
Comment: In summary, the available evidence is currently insufficient to determine the role of this variant in disease. Therefore, it has been classified as a Variant of Uncertain Significance. Algorithms developed to predict the effect of missense changes on protein structure and function are either unavailable or do not agree on the potential impact of this missense change (SIFT: "Tolerated"; PolyPhen-2: "Probably Damaging"; Align-GVGD: "Class C0"). This variant has not been reported in the literature in individuals affected with IRF2BP2-related conditions. This variant is not present in population databases (gnomAD no frequency). This sequence change replaces alanine, which is neutral and non-polar, with glycine, which is neutral and non-polar, at codon 543 of the IRF2BP2 protein (p.Ala543Gly).